The following is an entry in ClinVar:

ClinVar aggregate classification (germline): Likely benign (1 of 4 stars; one submission).

Conditions:
PKD1-related disorder. Also called: PKD1-related condition.

Submission:

PreventionGenetics, part of Exact Sciences
Classification: Likely benign for PKD1-related condition. Last evaluated: 2024-11-12. Review status: criteria provided, single submitter. Criteria: ACMG Guidelines, 2015. Collection method: clinical testing. Allele origin: germline.
Comment: This variant is classified as likely benign based on ACMG/AMP sequence variant interpretation guidelines (Richards et al. 2015 PMID: 25741868, with internal and published modifications).

NM_001009944.3(PKD1):c.8478C>T (p.Ile2826=)

Gene: PKD1 (polycystin 1, transient receptor potential channel interacting; minus strand). Cytogenetic location: 16p13.3.
Variant type: single nucleotide variant.
Coding change: c.8478C>T on transcript NM_001009944.3 (MANE Select); coding-DNA position 8478, C replaced by T.
Protein change: p.Ile2826=; no amino-acid change (isoleucine 2826 retained).
Molecular consequence: synonymous variant.
Genome position (GRCh38, 1-based): chr16:2,103,579, G>A on the plus strand (C>T on the coding strand, the complement: PKD1 is on the minus strand). VCF-style: chr16-2103579-G-A. GRCh37 (hg19) VCF-style: chr16-2153580-G-A.
Other names: c.8478C>T, p.Ile2826= (NM_000296.4).
Identifiers: ClinVar variation 4977390 (VCV004977390.1).